The following is an entry in ClinVar:

ClinVar aggregate classification (germline): Likely benign. Review status: criteria provided, multiple submitters, no conflicts (2 of 4 stars). 4 submissions from 4 submitters: Likely benign (3). 1 of the submissions does not count toward it. Last evaluated 2026-08-01.

Conditions:
SPEG-related disorder. Also called: SPEG-related condition.

Allele frequency attached by ClinVar (database versions not stated): gnomAD 0.00003; TOPMed 0.00007; ExAC 0.00008; ESP Exome Variant Server 0.00008; gnomAD exomes 0.00009.
gnomAD v4.1: 85 of 1,613,902 alleles (0.0053%); highest among the groups gnomAD compares: Middle Eastern, 0.049%; no homozygotes.

Submissions (4):

CeGaT Center for Human Genetics Tuebingen
Classification: Likely benign. Last evaluated: 2026-08-01. Review status: criteria provided, single submitter. Criteria: CeGaT Center For Human Genetics Tuebingen Variant Classification Criteria Version 2. Collection method: clinical testing. Allele origin: germline. Affected: yes. Observed: 2 variant alleles.
Comment: SPEG: BP4, BP7

Labcorp Genetics (formerly Invitae), Labcorp
Classification: Likely benign. Last evaluated: 2025-10-09. Review status: criteria provided, single submitter. Criteria: Invitae Variant Classification Sherloc (09022015). Collection method: clinical testing. Allele origin: germline.

Blueprint Genetics
Classification: Likely benign. Last evaluated: 2024-10-10. Review status: criteria provided, single submitter. Criteria: ACMG Guidelines, 2015. Collection method: clinical testing. Allele origin: germline.

PreventionGenetics, part of Exact Sciences
Classification: Likely benign for SPEG-related condition. Last evaluated: 2022-03-31. Review status: no assertion criteria provided. Collection method: clinical testing. Allele origin: germline. Not counted in ClinVar's aggregate classification.
Comment: This variant is classified as likely benign based on ACMG/AMP sequence variant interpretation guidelines (Richards et al. 2015 PMID: 25741868, with internal and published modifications).

NM_005876.5(SPEG):c.8265G>C (p.Gly2755=)

Genes: ASIC4-AS1 (ASIC4 antisense RNA 1; minus strand), SPEG (striated muscle enriched protein kinase; plus strand). Cytogenetic location: 2q35.
Variant type: single nucleotide variant.
Coding change: c.8265G>C on transcript NM_005876.5 (MANE Select); coding-DNA position 8265, G replaced by C.
Protein change: p.Gly2755=; no amino-acid change (glycine 2755 retained).
Molecular consequence: synonymous variant.
Genome position (GRCh38, 1-based): chr2:219,489,169, G>C. VCF-style: chr2-219489169-G-C. GRCh37 (hg19) VCF-style: chr2-220353891-G-C.
Other names: c.8265G>C (NM_005876.4).
Identifiers: ClinVar variation 1175989 (VCV001175989.43), dbSNP rs376454387, ClinGen allele CA2127437.